The following is an entry in ClinVar:

NM_000330.4(RS1):c.208G>A (p.Gly70Ser)

Genes: CDKL5 (cyclin dependent kinase like 5; plus strand), RS1 (retinoschisin 1; minus strand). Cytogenetic location: Xp22.13.
Variant type: single nucleotide variant.
Coding change: c.208G>A on transcript NM_000330.4 (MANE Select); coding-DNA position 208, G replaced by A.
Protein change: p.Gly70Ser; replaces glycine 70 with serine.
Molecular consequence: missense variant. On other transcripts: intron variant (2).
Genome position (GRCh38, 1-based): chrX:18,647,309, C>T on the plus strand (G>A on the coding strand, the complement: RS1 is on the minus strand). VCF-style: chrX-18647309-C-T. GRCh37 (hg19) VCF-style: chrX-18665429-C-T.
Other names: c.2797+1219C>T (NM_003159.3, NM_001037343.2); short protein forms G70S.
Identifiers: ClinVar variation 372496 (VCV000372496.23), dbSNP rs62645894, ClinGen allele CA16043201.

ClinVar aggregate classification (germline): Pathogenic. Review status: criteria provided, multiple submitters, no conflicts (2 of 4 stars). 8 submissions from 8 submitters: Pathogenic (7). 1 of the submissions does not count toward it. Last evaluated 2026-07-07.

Conditions:
Juvenile retinoschisis (RS1). Also called: X-Linked Juvenile Retinoschisis; X-linked retinoschisis. Identifiers: Orphanet 792, MedGen C3714753, MONDO:0010725, OMIM 312700.
Retinal disorder. Also called: Retinopathy; Retinopathies; Retinal Diseases; Retinal disorders. Identifiers: MedGen C0035309, MONDO:0005283, HP:0000488.
RS1-related disorder. Also called: RS1-related condition.

Submissions (8):

PreventionGenetics, part of Exact Sciences
Classification: Pathogenic for RS1-related condition. Last evaluated: 2026-07-07. Review status: criteria provided, single submitter. Criteria: ACMG Guidelines, 2015. Collection method: clinical testing. Allele origin: germline.
Comment: The RS1 c.208G>A variant is predicted to result in the amino acid substitution p.Gly70Ser. This variant has been reported as causative for retinoschisis (see for examples: The Retinoschisis Consortium. 1998. PubMed ID: 9618178; Table S1, Stone et al. 2017. PubMed ID: 28559085; Bender et al. 2022. PubMed ID: 35456481). Alternate substitutions of this amino acid residue (p.Gly70Asp, p.Gly70Val, and p.Gly70Arg) have also been reported in individual with retinoschisis (Table S1, Lin et al. 2024. PubMed ID: 38219857; Liu et al. 2023. PubMed ID: 36856325; Guo et al. 2022. PubMed ID: 35309139). This variant has not been reported in the large population database gnomAD, indicating it is rare. This variant has been classified as pathogenic by multiple independent submitters to the ClinVar database (Variation ID: 372496). Given all the evidence, we interpret this variant as pathogenic.

Labcorp Genetics (formerly Invitae), Labcorp
Classification: Pathogenic. Last evaluated: 2026-01-27. Review status: criteria provided, single submitter. Criteria: Invitae Variant Classification Sherloc (09022015). Collection method: clinical testing. Allele origin: germline.
Comment: This sequence change replaces glycine, which is neutral and non-polar, with serine, which is neutral and polar, at codon 70 of the RS1 protein (p.Gly70Ser). This variant is not present in population databases (gnomAD no frequency). This missense change has been observed in individuals with X-linked retinoschisis (PMID: 9618178, 28559085, 29902095). ClinVar contains an entry for this variant (Variation ID: 372496). Invitae Evidence Modeling of protein sequence and biophysical properties (such as structural, functional, and spatial information, amino acid conservation, physicochemical variation, residue mobility, and thermodynamic stability) indicates that this missense variant is expected to disrupt RS1 protein function with a positive predictive value of 95%. Experimental studies have shown that this missense change affects RS1 function (PMID: 12417531, 16361673). For these reasons, this variant has been classified as Pathogenic.

Genetics Laboratory, Great Ormond Street Hospital NHS Foundation Trust, North Thames Genomic Laboratory Hub
Classification: Pathogenic for Retinal disorders. Last evaluated: 2025-12-12. Review status: criteria provided, single submitter. Criteria: ACGS Best Practice Guidelines for Variant Classification in Rare Disease 2024 v1.2. Collection method: clinical testing. Allele origin: germline. Affected: yes.
Comment: PS4_moderate, PM2_moderate, PP3_supporting, PS3_moderate, PM1_moderate, PP4_supporting

Baylor Genetics
Classification: Pathogenic for Juvenile retinoschisis. Last evaluated: 2024-01-03. Review status: criteria provided, single submitter. Criteria: ACMG Guidelines, 2015. Collection method: clinical testing. Allele origin: unknown.

GeneDx
Classification: Pathogenic. Last evaluated: 2023-12-01. Review status: criteria provided, single submitter. Criteria: GeneDx Variant Classification Process June 2021. Collection method: clinical testing. Allele origin: germline. Affected: yes.
Comment: Published functional studies demonstrate a damaging effect with protein misfolding and intracellular retention (PMID: 12417531, 18834580); In silico analysis, which includes protein predictors and evolutionary conservation, supports a deleterious effect; This variant is associated with the following publications: (PMID: 16361673, 30196853, 35456481, 9618178, 24505212, 10533068, 11295123, 11598108, 29902095, 27369766, 28559085, 18834580, 12417531)

Women's Health and Genetics/Laboratory Corporation of America, LabCorp
Classification: Pathogenic for Juvenile retinoschisis. Last evaluated: 2023-05-05. Review status: criteria provided, single submitter. Criteria: LabCorp Variant Classification Summary - May 2015. Collection method: clinical testing. Allele origin: germline.
Comment: Variant summary: RS1 c.208G>A (p.Gly70Ser) results in a non-conservative amino acid change located in the Coagulation factor 5/8 C-terminal domain (IPR000421) of the encoded protein sequence. Five of five in-silico tools predict a damaging effect of the variant on protein function. The variant was absent in 183410 control chromosomes. c.208G>A has been reported in the literature in multiple individuals affected with retinoschisis (e.g., RetinoschisisConsortium_1998, Walia_2009, Chen_2020). These data indicate that the variant is very likely to be associated with disease. Several publications report experimental evidence evaluating an impact on protein function, finding that the variant causes complete intracellular retention and prevents secretion of the protein (e.g., Wang_2002, Walia_2009). The following publications have been ascertained in the context of this evaluation (PMID: 32300273, 9618178, 18834580, 12417531). Four clinical diagnostic laboratories have submitted clinical-significance assessments for this variant to ClinVar after 2014, and all laboratories classified the variant as pathogenic. Based on the evidence outlined above, the variant was classified as pathogenic.

Blueprint Genetics
Classification: Pathogenic for RS1-related disorders. Last evaluated: 2023-03-30. Review status: criteria provided, single submitter. Criteria: ACMG Guidelines, 2015. Collection method: clinical testing. Allele origin: germline. Affected: yes. Observed: 5 variant alleles.

Counsyl
Classification: Pathogenic for Juvenile retinoschisis. Last evaluated: 2018-01-16. Review status: no assertion criteria provided. Collection method: clinical testing. Allele origin: unknown. Not counted in ClinVar's aggregate classification.

Literature cited by the submitters: PubMed 9618178 (cited by 3 submitters); PubMed 28559085 (cited by Labcorp Genetics (formerly Invitae), Labcorp); PubMed 29902095 (cited by Labcorp Genetics (formerly Invitae), Labcorp); PubMed 12417531 (cited by 3 submitters); PubMed 16361673 (cited by Labcorp Genetics (formerly Invitae), Labcorp and Counsyl); PubMed 32300273 (cited by Women's Health and Genetics/Laboratory Corporation of America, LabCorp); PubMed 18834580 (cited by Women's Health and Genetics/Laboratory Corporation of America, LabCorp and Counsyl); PubMed 23847049 (cited by Counsyl); PubMed 20061330 (cited by Counsyl).